The following is an entry in ClinVar:

ClinVar aggregate classification (germline): Uncertain significance (1 of 4 stars; one submission).

gnomAD v4.1: 3 of 1,608,514 alleles (0.00019%); highest among the groups gnomAD compares: Non-Finnish European, 0.00025%; no homozygotes.

Submission:

Labcorp Genetics (formerly Invitae), Labcorp
Classification: Uncertain significance. Last evaluated: 2023-11-27. Review status: criteria provided, single submitter. Criteria: Invitae Variant Classification Sherloc (09022015). Collection method: clinical testing. Allele origin: germline.
Comment: This sequence change replaces glutamine, which is neutral and polar, with arginine, which is basic and polar, at codon 651 of the NIN protein (p.Gln651Arg). This variant is not present in population databases (gnomAD no frequency). This variant has not been reported in the literature in individuals affected with NIN-related conditions. ClinVar contains an entry for this variant (Variation ID: 2111086). Algorithms developed to predict the effect of missense changes on protein structure and function output the following: SIFT: "Not Available"; PolyPhen-2: "Benign"; Align-GVGD: "Not Available". The arginine amino acid residue is found in multiple mammalian species, which suggests that this missense change does not adversely affect protein function. In summary, the available evidence is currently insufficient to determine the role of this variant in disease. Therefore, it has been classified as a Variant of Uncertain Significance.

NM_020921.4(NIN):c.1952A>G (p.Gln651Arg)

Genes: NIN (ninein; minus strand), LOC130055602 (ATAC-STARR-seq lymphoblastoid active region 8362; plus strand). Cytogenetic location: 14q22.1.
Variant type: single nucleotide variant.
Coding change: c.1952A>G on transcript NM_020921.4 (MANE Select); coding-DNA position 1952, A replaced by G.
Protein change: p.Gln651Arg; replaces glutamine 651 with arginine.
Molecular consequence: missense variant.
Genome position (GRCh38, 1-based): chr14:50,760,304, T>C on the plus strand (A>G on the coding strand, the complement: NIN is on the minus strand). VCF-style: chr14-50760304-T-C. GRCh37 (hg19) VCF-style: chr14-51227022-T-C.
Other names: c.1952A>G, p.Gln651Arg (NM_016350.5, NM_182944.3, NM_182946.2); short protein forms Q651R.
Identifiers: ClinVar variation 2111086 (VCV002111086.4), dbSNP rs2505892087, ClinGen allele CA389702964.